The following is an entry in ClinVar:

ClinVar aggregate classification (germline): Uncertain significance. Review status: criteria provided, multiple submitters, no conflicts (2 of 4 stars). 3 submissions from 3 submitters: Uncertain significance (3). Last evaluated 2026-04-27.

Conditions:
Ehlers-Danlos syndrome, musculocontractural type 2 (EDSMC2). Identifiers: Orphanet 2953, MedGen C3809845, MONDO:0014236, OMIM 615539.

Allele frequency attached by ClinVar (database versions not stated): ExAC 0.00001; gnomAD exomes 0.00002; gnomAD 0.00005; TOPMed 0.00005; ESP Exome Variant Server 0.00008.
gnomAD v4.1: 42 of 1,613,976 alleles (0.0026%); highest among the groups gnomAD compares: African/African-American, 0.0053%; no homozygotes.

Submissions (3):

Women's Health and Genetics/Laboratory Corporation of America, LabCorp
Classification: Uncertain significance. Last evaluated: 2026-04-27. Review status: criteria provided, single submitter. Criteria: LabCorp Variant Classification Summary - May 2015. Collection method: clinical testing. Allele origin: germline.
Comment: Variant summary: DSE c.2429G>A (p.Arg810Gln) results in a conservative amino acid change in the encoded protein sequence. Algorithms developed to predict the effect of missense changes on protein structure and function are either unavailable or do not agree on the potential impact of this missense change. The variant allele was found at a frequency of 2e-05 in 250972 control chromosomes (gnomAD). The available data on variant occurrences in the general population are insufficient to allow any conclusion about variant significance. To our knowledge, no occurrence of c.2429G>A in individuals affected with DSE-related conditions and no experimental evidence demonstrating its impact on protein function have been reported. ClinVar contains an entry for this variant (Variation ID: 1496448). Based on the evidence outlined above, the variant was classified as uncertain significance.

Mayo Clinic Laboratories, Mayo Clinic
Classification: Uncertain significance. Last evaluated: 2024-08-01. Review status: criteria provided, single submitter. Criteria: ACMG Guidelines, 2015. Collection method: clinical testing. Allele origin: germline. Observed: 1 variant allele.
Comment: BP4

Labcorp Genetics (formerly Invitae), Labcorp
Classification: Uncertain significance for Ehlers-Danlos syndrome, musculocontractural type 2. Last evaluated: 2021-09-24. Review status: criteria provided, single submitter. Criteria: Invitae Variant Classification Sherloc (09022015). Collection method: clinical testing. Allele origin: germline.
Comment: This sequence change replaces arginine with glutamine at codon 810 of the DSE protein (p.Arg810Gln). The arginine residue is highly conserved and there is a small physicochemical difference between arginine and glutamine. This variant is present in population databases (rs367959320, ExAC 0.01%). This variant has not been reported in the literature in individuals with DSE-related conditions. Algorithms developed to predict the effect of missense changes on protein structure and function are either unavailable or do not agree on the potential impact of this missense change (SIFT: "Not Available"; PolyPhen-2: "Benign"; Align-GVGD: "Not Available"). In summary, the available evidence is currently insufficient to determine the role of this variant in disease. Therefore, it has been classified as a Variant of Uncertain Significance.

NM_013352.4(DSE):c.2429G>A (p.Arg810Gln)

Gene: DSE (dermatan sulfate epimerase; plus strand). Cytogenetic location: 6q22.1.
Variant type: single nucleotide variant.
Coding change: c.2429G>A on transcript NM_013352.4 (MANE Select); coding-DNA position 2429, G replaced by A.
Protein change: p.Arg810Gln; replaces arginine 810 with glutamine.
Molecular consequence: missense variant. On other transcripts: 3 prime UTR variant (2), non-coding transcript variant (1).
Genome position (GRCh38, 1-based): chr6:116,436,897, G>A. VCF-style: chr6-116436897-G-A. GRCh37 (hg19) VCF-style: chr6-116758060-G-A.
Other names: p.Arg810Gln; c.2429G>A, p.Arg810Gln (NM_001080976.3, NM_001322937.2, NM_001322938.2); c.2486G>A, p.Arg829Gln (NM_001322939.2); c.1868G>A, p.Arg623Gln (NM_001322940.2, NM_001322941.2); c.*1294G>A (NM_001322943.2, NM_001322944.2); c.1430G>A, p.Arg477Gln (NM_001374520.1); c.1394G>A, p.Arg465Gln (NM_001374521.1); short protein forms R477Q, R829Q, R465Q, R623Q, R810Q.
Identifiers: ClinVar variation 1496448 (VCV001496448.7), dbSNP rs367959320, ClinGen allele CA3969814.